The following is an entry in ClinVar:

NM_144499.3(GNAT1):c.210C>G (p.Tyr70Ter)

Gene: GNAT1 (G protein subunit alpha transducin 1; plus strand). Cytogenetic location: 3p21.31.
Variant type: single nucleotide variant.
Coding change: c.210C>G on transcript NM_144499.3 (MANE Select); coding-DNA position 210, C replaced by G.
Protein change: p.Tyr70Ter; replaces tyrosine 70 with a stop codon.
Molecular consequence: nonsense.
Genome position (GRCh38, 1-based): chr3:50,193,325, C>G. VCF-style: chr3-50193325-C-G. GRCh37 (hg19) VCF-style: chr3-50230758-C-G.
Other names: c.210C>G, p.Tyr70Ter (NM_000172.4); short protein forms Y70*.
Identifiers: ClinVar variation 2125040 (VCV002125040.5), dbSNP rs762489106, ClinGen allele CA2412481.

ClinVar aggregate classification (germline): Pathogenic/Likely pathogenic. Review status: criteria provided, multiple submitters, no conflicts (2 of 4 stars). 2 submissions from 2 submitters: Pathogenic (1); Likely pathogenic (1). Last evaluated 2022-05-03.

Conditions:
GNAT1-related disorder. Also called: GNAT1-related condition.

Allele frequency attached by ClinVar (database versions not stated): ExAC 0.00002; gnomAD 0.00002.

Submissions (2):

Labcorp Genetics (formerly Invitae), Labcorp
Classification: Pathogenic. Last evaluated: 2022-05-03. Review status: criteria provided, single submitter. Criteria: Invitae Variant Classification Sherloc (09022015). Collection method: clinical testing. Allele origin: germline.
Comment: For these reasons, this variant has been classified as Pathogenic. This variant has not been reported in the literature in individuals affected with GNAT1-related conditions. This variant is present in population databases (rs762489106, gnomAD 0.002%). This sequence change creates a premature translational stop signal (p.Tyr70*) in the GNAT1 gene. It is expected to result in an absent or disrupted protein product. Loss-of-function variants in GNAT1 are known to be pathogenic (PMID: 11095744, 31736247).

Blueprint Genetics
Classification: Likely pathogenic for GNAT1-related disorders. Last evaluated: 2019-08-26. Review status: criteria provided, single submitter. Criteria: ACMG Guidelines, 2015. Collection method: clinical testing. Allele origin: germline. Affected: yes. Observed: 1 variant allele.

Literature cited by the submitters: PubMed 11095744 (cited by Labcorp Genetics (formerly Invitae), Labcorp); PubMed 31736247 (cited by Labcorp Genetics (formerly Invitae), Labcorp).